The following is an entry in ClinVar:

ClinVar aggregate classification (germline): Likely pathogenic (1 of 4 stars; one submission).

Conditions:
Intellectual developmental disorder, autosomal dominant 50, with behavioral abnormalities. Also called: MENTAL RETARDATION, AUTOSOMAL DOMINANT 50; Intellectual disability, autosomal dominant 50. Identifiers: MedGen C4540470, MONDO:0030916, OMIM 617787.

Submission:

Clinical Genomics Laboratory, Washington University in St. Louis
Classification: Likely pathogenic for Intellectual developmental disorder, autosomal dominant 50, with behavioral abnormalities. Last evaluated: 2025-08-31. Review status: criteria provided, single submitter. Criteria: ACMG Guidelines, 2015. Collection method: clinical testing. Allele origin: germline. Affected: yes.
Comment: The NAA15 c.199G>T (p.Glu67*) variant, to our knowledge, has not been reported in the medical literature. This variant is absent from the general population (gnomAD v4.1.0), indicating it is not a common variant. This variant causes a premature termination codon, which is predicted to lead to nonsense mediated decay. Based on available information and the ACMG/AMP guidelines for variant interpretation (Richards S et al., PMID: 25741868), this variant is classified as likely pathogenic.

NM_057175.5(NAA15):c.199G>T (p.Glu67Ter)

Gene: NAA15 (N-alpha-acetyltransferase 15, NatA auxiliary subunit; plus strand). Cytogenetic location: 4q31.1.
Variant type: single nucleotide variant.
Coding change: c.199G>T on transcript NM_057175.5 (MANE Select); coding-DNA position 199, G replaced by T.
Protein change: p.Glu67Ter; replaces glutamic acid 67 with a stop codon.
Molecular consequence: nonsense.
Genome position (GRCh38, 1-based): chr4:139,336,907, G>T. VCF-style: chr4-139336907-G-T. GRCh37 (hg19) VCF-style: chr4-140258061-G-T.
Other names: c.199G>T, p.Glu67Ter (NM_001410842.1); short protein forms E67*.
Identifiers: ClinVar variation 4279902 (VCV004279902.1).